The following is an entry in ClinVar:

ClinVar aggregate classification (germline): Uncertain significance. Review status: criteria provided, multiple submitters, no conflicts (2 of 4 stars). 2 submissions from 2 submitters: Uncertain significance (2). Last evaluated 2024-03-16.

Conditions:
Alzheimer disease 3 (AD3). Also called: ALZHEIMER DISEASE, FAMILIAL, 3. Identifiers: Orphanet 1020, MedGen C1843013, MONDO:0011913, OMIM 607822.
Frontotemporal dementia (FTD1). Also called: Frontotemporal lobe dementia (FLDEM); WILHELMSEN-LYNCH DISEASE; Dementia, frontotemporal, with or without parkinsonism; Frontotemporal Dementia with Parkinsonism-17 (FTDP-17); MULTIPLE SYSTEM TAUOPATHY WITH PRESENILE DEMENTIA; FRONTOTEMPORAL DEMENTIA WITH PARKINSONISM. Identifiers: Orphanet 282, MedGen C0338451, MONDO:0017276, OMIM 600274, HP:0002145.
Pick disease. Also called: Pick Disease of the Brain; Pick's disease; LOBAR ATROPHY OF BRAIN; PICK DISEASE OF BRAIN; DEMENTIA WITH LOBAR ATROPHY AND NEURONAL CYTOPLASMIC INCLUSIONS. Identifiers: Orphanet 282, MedGen C0236642, MONDO:0008243, OMIM 172700.
Acne inversa, familial, 3 (ACNINV3). Identifiers: MedGen C3151038, MONDO:0013398, OMIM 613737.

Submissions (2):

Labcorp Genetics (formerly Invitae), Labcorp
Classification: Uncertain significance for Alzheimer disease 3; Pick disease; Acne inversa, familial, 3; Frontotemporal dementia. Last evaluated: 2024-03-16. Review status: criteria provided, single submitter. Criteria: Invitae Variant Classification Sherloc (09022015). Collection method: clinical testing. Allele origin: germline.
Comment: This sequence change replaces glycine, which is neutral and non-polar, with arginine, which is basic and polar, at codon 378 of the PSEN1 protein (p.Gly378Arg). This variant is not present in population databases (gnomAD no frequency). This variant has not been reported in the literature in individuals affected with PSEN1-related conditions. An algorithm developed to predict the effect of missense changes on protein structure and function (PolyPhen-2) suggests that this variant is likely to be disruptive. This variant disrupts the p.Gly378 amino acid residue in PSEN1. Other variant(s) that disrupt this residue have been determined to be pathogenic (PMID: 27777022). This suggests that this residue is clinically significant, and that variants that disrupt this residue are likely to be disease-causing. In summary, the available evidence is currently insufficient to determine the role of this variant in disease. Therefore, it has been classified as a Variant of Uncertain Significance.

Women's Health and Genetics/Laboratory Corporation of America, LabCorp
Classification: Uncertain significance. Last evaluated: 2023-12-11. Review status: criteria provided, single submitter. Criteria: LabCorp Variant Classification Summary - May 2015. Collection method: clinical testing. Allele origin: germline.
Comment: Variant summary: PSEN1 c.1132G>A (p.Gly378Arg) results in a non-conservative amino acid change in the encoded protein sequence. Five of five in-silico tools predict a damaging effect of the variant on protein function. Consensus agreement among computation tools predict no significant impact on normal splicing. However, these predictions have yet to be confirmed by functional studies. The variant was absent in 251452 control chromosomes. The available data on variant occurrences in the general population are insufficient to allow any conclusion about variant significance. p.Gly378Arg has been reported in the literature without information on the base pair change in an individual affected with memory loss . These reports do not provide unequivocal conclusions about association of the variant with Alzheimer Disease, Type 3. To our knowledge, no experimental evidence demonstrating an impact on protein function has been reported. The following publications have been ascertained in the context of this evaluation (PMID: 31207465, 30390718). No submitters have cited clinical-significance assessments for this variant to ClinVar after 2014. Based on the evidence outlined above, the variant was classified as uncertain significance.

Literature cited by the submitters: PubMed 27777022 (cited by Labcorp Genetics (formerly Invitae), Labcorp); PubMed 31207465 (cited by Women's Health and Genetics/Laboratory Corporation of America, LabCorp); PubMed 30390718 (cited by Women's Health and Genetics/Laboratory Corporation of America, LabCorp).

NM_000021.4(PSEN1):c.1132G>A (p.Gly378Arg)

Gene: PSEN1 (presenilin 1; plus strand). Cytogenetic location: 14q24.2.
Variant type: single nucleotide variant.
Coding change: c.1132G>A on transcript NM_000021.4 (MANE Select); coding-DNA position 1132, G replaced by A.
Protein change: p.Gly378Arg; replaces glycine 378 with arginine.
Molecular consequence: missense variant.
Genome position (GRCh38, 1-based): chr14:73,217,128, G>A. VCF-style: chr14-73217128-G-A. GRCh37 (hg19) VCF-style: chr14-73683836-G-A.
Other names: c.1120G>A, p.Gly374Arg (NM_007318.3); short protein forms G374R, G378R.
Identifiers: ClinVar variation 2691576 (VCV002691576.3), dbSNP rs2503026431, ClinGen allele CA390305699.